The following is an entry in ClinVar:

NM_001134831.2(AHI1):c.235A>G (p.Ser79Gly)

Gene: AHI1 (Abelson helper integration site 1; minus strand). Cytogenetic location: 6q23.3.
Variant type: single nucleotide variant.
Coding change: c.235A>G on transcript NM_001134831.2 (MANE Select); coding-DNA position 235, A replaced by G.
Protein change: p.Ser79Gly; replaces serine 79 with glycine.
Molecular consequence: missense variant.
Genome position (GRCh38, 1-based): chr6:135,466,328, T>C on the plus strand (A>G on the coding strand, the complement: AHI1 is on the minus strand). VCF-style: chr6-135466328-T-C. GRCh37 (hg19) VCF-style: chr6-135787466-T-C.
Other names: c.235A>G, p.Ser79Gly (NM_001134830.2, NM_001134832.2, NM_001350503.2 and 2 more transcripts); c.235A>G (NM_017651.4); short protein forms S79G.
Identifiers: ClinVar variation 2042352 (VCV002042352.3), dbSNP rs1438398673, ClinGen allele CA365752283.

ClinVar aggregate classification (germline): Uncertain significance. Review status: criteria provided, multiple submitters, no conflicts (2 of 4 stars). 2 submissions from 2 submitters: Uncertain significance (2). Last evaluated 2024-06-09.

Conditions:
Joubert syndrome 3 (JBTS3). Also called: AHI1-related Ciliopathy. Identifiers: Orphanet 220493, MedGen C1837713, MONDO:0012078, OMIM 608629.
Joubert syndrome. Also called: CEREBELLOPARENCHYMAL DISORDER IV; JOUBERT-BOLTSHAUSER SYNDROME; Familial aplasia of the vermis. Identifiers: Orphanet 475, MedGen C5979921, MONDO:0018772.

Allele frequency attached by ClinVar (database versions not stated): gnomAD 0.00001; TOPMed 0.00001.

Submissions (2):

Fulgent Genetics
Classification: Uncertain significance for Joubert syndrome 3. Last evaluated: 2024-06-09. Review status: criteria provided, single submitter. Criteria: ACMG Guidelines, 2015. Collection method: clinical testing. Allele origin: germline.

Labcorp Genetics (formerly Invitae), Labcorp
Classification: Uncertain significance for Joubert syndrome. Last evaluated: 2022-07-13. Review status: criteria provided, single submitter. Criteria: Invitae Variant Classification Sherloc (09022015). Collection method: clinical testing. Allele origin: germline.
Comment: In summary, the available evidence is currently insufficient to determine the role of this variant in disease. Therefore, it has been classified as a Variant of Uncertain Significance. Advanced modeling of protein sequence and biophysical properties (such as structural, functional, and spatial information, amino acid conservation, physicochemical variation, residue mobility, and thermodynamic stability) performed at Invitae indicates that this missense variant is not expected to disrupt AHI1 protein function. This variant has not been reported in the literature in individuals affected with AHI1-related conditions. This variant is not present in population databases (gnomAD no frequency). This sequence change replaces serine, which is neutral and polar, with glycine, which is neutral and non-polar, at codon 79 of the AHI1 protein (p.Ser79Gly).